The following is an entry in ClinVar:

NM_033028.5(BBS4):c.502G>T (p.Asp168Tyr)

Gene: BBS4 (Bardet-Biedl syndrome 4; plus strand). Cytogenetic location: 15q24.1.
Variant type: single nucleotide variant.
Coding change: c.502G>T on transcript NM_033028.5 (MANE Select); coding-DNA position 502, G replaced by T.
Protein change: p.Asp168Tyr; replaces aspartic acid 168 with tyrosine.
Molecular consequence: missense variant. On other transcripts: non-coding transcript variant (2), 5 prime UTR variant (1).
Genome position (GRCh38, 1-based): chr15:72,724,570, G>T. VCF-style: chr15-72724570-G-T. GRCh37 (hg19) VCF-style: chr15-73016911-G-T.
Other names: c.502G>T, p.Asp168Tyr (NM_001320665.2); c.502G>T (NM_033028.4); c.-15G>T (NM_001252678.2); short protein forms D168Y.
Identifiers: ClinVar variation 2148188 (VCV002148188.5), dbSNP rs769766779, ClinGen allele CA7646658.
Genomic context (GRCh38, chr15:72,724,570, plus strand): 5'-TTTTGTTAAACTTGTCAGGCACAAGACCAGTTGCACAATGCCCTGAATCTTAATAGGCAC[G>T]ATCTGACTTATATAATGCTGGGGAAGATCCACTTGCTGGAGGGAGACTTGGACAAGGCCA-3'
Protein context (NP_149017.2, residues 158-178): LHNALNLNRH[Asp168Tyr]LTYIMLGKIH

ClinVar aggregate classification (germline): Uncertain significance. Review status: criteria provided, multiple submitters, no conflicts (2 of 4 stars). 2 submissions from 2 submitters: Uncertain significance (2). Last evaluated 2025-08-07.

Conditions:
Bardet-Biedl syndrome (BBS). Identifiers: Orphanet 110, MedGen C0752166, MONDO:0015229.
BBS4-related disorder. Also called: BBS4-related condition.

Allele frequency attached by ClinVar (database versions not stated): gnomAD 0.00001.
gnomAD v4.1: 18 of 1,613,942 alleles (0.0011%); highest among the groups gnomAD compares: Admixed American, 0.0017%; no homozygotes.

Submissions (2):

PreventionGenetics, part of Exact Sciences
Classification: Uncertain significance for BBS4-related condition. Last evaluated: 2025-08-07. Review status: criteria provided, single submitter. Criteria: ACMG Guidelines, 2015. Collection method: clinical testing. Allele origin: germline.
Comment: The BBS4 c.502G>T variant is predicted to result in the amino acid substitution p.Asp168Tyr. To our knowledge, this variant has not been reported in the literature. This variant is reported in 0.0029% of alleles in individuals of Latino descent in gnomAD. At this time, the clinical significance of this variant is uncertain due to the absence of conclusive functional and genetic evidence.

Labcorp Genetics (formerly Invitae), Labcorp
Classification: Uncertain significance for Bardet-Biedl syndrome. Last evaluated: 2022-08-16. Review status: criteria provided, single submitter. Criteria: Invitae Variant Classification Sherloc (09022015). Collection method: clinical testing. Allele origin: germline.
Comment: In summary, the available evidence is currently insufficient to determine the role of this variant in disease. Therefore, it has been classified as a Variant of Uncertain Significance. Algorithms developed to predict the effect of missense changes on protein structure and function are either unavailable or do not agree on the potential impact of this missense change (SIFT: "Tolerated"; PolyPhen-2: "Probably Damaging"; Align-GVGD: "Class C0"). This variant has not been reported in the literature in individuals affected with BBS4-related conditions. This variant is present in population databases (rs769766779, gnomAD 0.003%). This sequence change replaces aspartic acid, which is acidic and polar, with tyrosine, which is neutral and polar, at codon 168 of the BBS4 protein (p.Asp168Tyr).